The following is an entry in ClinVar:

ClinVar aggregate classification (germline): Benign. Review status: criteria provided, multiple submitters, no conflicts (2 of 4 stars). 3 submissions from 3 submitters: Benign (2). 1 of the submissions does not count toward it. Last evaluated 2019-12-31.

Conditions:
GK-related disorder. Also called: GK-related condition.
History of neurodevelopmental disorder. Identifiers: MedGen C2711754.

Allele frequency attached by ClinVar (database versions not stated): gnomAD exomes 0.00097 and 0.00279; ExAC 0.00378; gnomAD 0.01042 and 0.01121; 1000 Genomes Project 30x 0.01124; 1000 Genomes Project 0.01166; TOPMed 0.01177; ESP Exome Variant Server 0.01355.
gnomAD v4.1: 2,309 of 1,204,186 alleles (0.19%); highest among the groups gnomAD compares: African/African-American, 3.5%; 33 homozygotes.

Submissions (3):

Labcorp Genetics (formerly Invitae), Labcorp
Classification: Benign. Last evaluated: 2019-12-31. Review status: criteria provided, single submitter. Criteria: Invitae Variant Classification Sherloc (09022015). Collection method: clinical testing. Allele origin: germline.

Ambry Genetics
Classification: Benign for History of neurodevelopmental disorder. Last evaluated: 2013-07-17. Review status: criteria provided, single submitter. Criteria: Ambry Autosomal Dominant and X-Linked criteria (10/2015). Collection method: clinical testing. Allele origin: germline. Observed: 1 variant allele.
Comment: Co-occurence with a mutation in another gene that clearly explains a proband's phenotype;General population or subpopulation frequency is too high to be a pathogenic mutation based on disease/syndrome prevalence and penetrance

PreventionGenetics, part of Exact Sciences
Classification: Benign for GK-related condition. Last evaluated: 2019-09-24. Review status: no assertion criteria provided. Collection method: clinical testing. Allele origin: germline. Not counted in ClinVar's aggregate classification.
Comment: This variant is classified as benign based on ACMG/AMP sequence variant interpretation guidelines (Richards et al. 2015 PMID: 25741868, with internal and published modifications).

NM_001205019.2(GK):c.501C>T (p.Ala167=)

Gene: GK (glycerol kinase; plus strand). Cytogenetic location: Xp21.2.
Variant type: single nucleotide variant.
Coding change: c.501C>T on transcript NM_001205019.2 (MANE Select); coding-DNA position 501, C replaced by T.
Protein change: p.Ala167=; no amino-acid change (alanine 167 retained).
Molecular consequence: synonymous variant.
Genome position (GRCh38, 1-based): chrX:30,694,486, C>T. VCF-style: chrX-30694486-C-T. GRCh37 (hg19) VCF-style: chrX-30712603-C-T.
Other names: c.501C>T, p.Ala167= (NM_000167.6, NM_001128127.3, NM_203391.4).
Identifiers: ClinVar variation 590219 (VCV000590219.9), dbSNP rs17854202, ClinGen allele CA10376692.
Genomic context (GRCh38, chrX:30,694,486, plus strand): 5'-TTACTTCAGTGCAGTGAAACTTCGTTGGCTCCTTGACAATGTGAGAAAAGTTCAAAAGGC[C>T]GTTGAAGAAAAACGAGCTCTTTTTGGGACTATTGATTCATGGCTTATTTGGGTATGTTTA-3'
Protein context (NP_001191948.1, residues 157-177): LLDNVRKVQK[Ala167=]VEEKRALFGT